The following is an entry in ClinVar:

ClinVar aggregate classification (germline): Uncertain significance (1 of 4 stars; one submission).

Conditions:
Dilated cardiomyopathy 1DD (CMD1DD). Identifiers: Orphanet 154, MedGen C2750995, MONDO:0013168, OMIM 613172.

Submission:

Labcorp Genetics (formerly Invitae), Labcorp
Classification: Uncertain significance for Dilated cardiomyopathy 1DD. Last evaluated: 2022-10-12. Review status: criteria provided, single submitter. Criteria: Invitae Variant Classification Sherloc (09022015). Collection method: clinical testing. Allele origin: germline.
Comment: Advanced modeling of protein sequence and biophysical properties (such as structural, functional, and spatial information, amino acid conservation, physicochemical variation, residue mobility, and thermodynamic stability) performed at Invitae indicates that this missense variant is not expected to disrupt RBM20 protein function. This variant has not been reported in the literature in individuals affected with RBM20-related conditions. This variant is not present in population databases (gnomAD no frequency). This sequence change replaces phenylalanine, which is neutral and non-polar, with cysteine, which is neutral and slightly polar, at codon 501 of the RBM20 protein (p.Phe501Cys). In summary, the available evidence is currently insufficient to determine the role of this variant in disease. Therefore, it has been classified as a Variant of Uncertain Significance.

NM_001134363.3(RBM20):c.1502T>G (p.Phe501Cys)

Gene: RBM20 (RNA binding motif protein 20; plus strand). Cytogenetic location: 10q25.2.
Variant type: single nucleotide variant.
Coding change: c.1502T>G on transcript NM_001134363.3 (MANE Select); coding-DNA position 1502, T replaced by G.
Protein change: p.Phe501Cys; replaces phenylalanine 501 with cysteine.
Molecular consequence: missense variant.
Genome position (GRCh38, 1-based): chr10:110,784,864, T>G. VCF-style: chr10-110784864-T-G. GRCh37 (hg19) VCF-style: chr10-112544622-T-G.
Other names: short protein forms F501C.
Identifiers: ClinVar variation 1721494 (VCV001721494.5), dbSNP rs2493422804, ClinGen allele CA378388509.
Genomic context (GRCh38, chr10:110,784,864, plus strand): 5'-ATCTTGGAACATCATACGTGCCCATTCCAGCAAGGTCATTCACTCAGTCAAGCCCCACAT[T>G]TCCTTTGGCTTCTGTGGGGACAACTGTGAGTACGGAAACATTTTCTCTAGAAATTAATGA-3'
Protein context (NP_001127835.2, residues 491-511): ARSFTQSSPT[Phe501Cys]PLASVGTTFA